The following is an entry in ClinVar:

NM_000051.4(ATM):c.1493A>G (p.Glu498Gly)

Gene: ATM (ATM serine/threonine kinase; plus strand). Cytogenetic location: 11q22.3.
Variant type: single nucleotide variant.
Coding change: c.1493A>G on transcript NM_000051.4 (MANE Select); coding-DNA position 1493, A replaced by G.
Protein change: p.Glu498Gly; replaces glutamic acid 498 with glycine.
Molecular consequence: missense variant.
Genome position (GRCh38, 1-based): chr11:108,250,958, A>G. VCF-style: chr11-108250958-A-G. GRCh37 (hg19) VCF-style: chr11-108121685-A-G.
Other names: c.1493A>G, p.Glu498Gly (NM_001351834.2); short protein forms E498G.
Identifiers: ClinVar variation 1898859 (VCV001898859.6), dbSNP rs1373744790, ClinGen allele CA382534213.

ClinVar aggregate classification (germline): Uncertain significance. Review status: criteria provided, multiple submitters, no conflicts (2 of 4 stars). 2 submissions from 2 submitters: Uncertain significance (2). Last evaluated 2025-03-26.

Conditions:
Hereditary cancer-predisposing syndrome. Also called: Tumor predisposition; Neoplastic Syndromes, Hereditary; Hereditary neoplastic syndrome; Hereditary Cancer Syndrome. Identifiers: Orphanet 140162, MedGen C0027672, MeSH D009386, MONDO:0015356.
Ataxia-telangiectasia syndrome (AT). Also called: AT, COMPLEMENTATION GROUP C; LOUIS-BAR SYNDROME; Cerebello-oculocutaneous telangiectasia; Immunodeficiency with ataxia telangiectasia; ATAXIA-TELANGIECTASIA, COMPLEMENTATION GROUP A; ATAXIA-TELANGIECTASIA, FRESNO VARIANT. Identifiers: Orphanet 100, MedGen C0004135, MONDO:0008840, OMIM 208900.

Allele frequency attached by ClinVar (database versions not stated): gnomAD exomes below 0.00001; TOPMed below 0.00001.
gnomAD v4.1: 2 of 1,614,180 alleles (0.00012%); highest among the groups gnomAD compares: East Asian, 0.0045%; no homozygotes.

Submissions (2):

Labcorp Genetics (formerly Invitae), Labcorp
Classification: Uncertain significance for Ataxia-telangiectasia syndrome. Last evaluated: 2025-03-26. Review status: criteria provided, single submitter. Criteria: Invitae Variant Classification Sherloc (09022015). Collection method: clinical testing. Allele origin: germline.
Comment: This sequence change replaces glutamic acid, which is acidic and polar, with glycine, which is neutral and non-polar, at codon 498 of the ATM protein (p.Glu498Gly). This variant is not present in population databases (gnomAD no frequency). This variant has not been reported in the literature in individuals affected with ATM-related conditions. ClinVar contains an entry for this variant (Variation ID: 1898859). Invitae Evidence Modeling of protein sequence and biophysical properties (such as structural, functional, and spatial information, amino acid conservation, physicochemical variation, residue mobility, and thermodynamic stability) indicates that this missense variant is not expected to disrupt ATM protein function with a negative predictive value of 95%. In summary, the available evidence is currently insufficient to determine the role of this variant in disease. Therefore, it has been classified as a Variant of Uncertain Significance.

Ambry Genetics
Classification: Uncertain significance for Hereditary cancer-predisposing syndrome. Last evaluated: 2023-10-05. Review status: criteria provided, single submitter. Criteria: Ambry Variant Classification Scheme 2023. Collection method: clinical testing. Allele origin: germline.
Comment: The p.E498G variant (also known as c.1493A>G), located in coding exon 9 of the ATM gene, results from an A to G substitution at nucleotide position 1493. The glutamic acid at codon 498 is replaced by glycine, an amino acid with similar properties. This amino acid position is not well conserved in available vertebrate species. In addition, this alteration is predicted to be tolerated by in silico analysis. Since supporting evidence is limited at this time, the clinical significance of this alteration remains unclear.